The following is an entry in ClinVar:

NM_020247.5(COQ8A):c.469G>A (p.Gly157Ser)

Gene: COQ8A (coenzyme Q8A; plus strand). Cytogenetic location: 1q42.13.
Variant type: single nucleotide variant.
Coding change: c.469G>A on transcript NM_020247.5 (MANE Select); coding-DNA position 469, G replaced by A.
Protein change: p.Gly157Ser; replaces glycine 157 with serine.
Molecular consequence: missense variant.
Genome position (GRCh38, 1-based): chr1:226,965,291, G>A. VCF-style: chr1-226965291-G-A. GRCh37 (hg19) VCF-style: chr1-227152992-G-A.
Other names: short protein forms G157S.
Identifiers: ClinVar variation 3371331 (VCV003371331.1).

ClinVar aggregate classification (germline): Uncertain significance (1 of 4 stars; one submission).

Submission:

GeneDx
Classification: Uncertain significance. Last evaluated: 2024-03-25. Review status: criteria provided, single submitter. Criteria: GeneDx Variant Classification Process June 2021. Collection method: clinical testing. Allele origin: germline. Affected: yes.
Comment: Not observed at significant frequency in large population cohorts (gnomAD); In silico analysis supports that this missense variant does not alter protein structure/function; Has not been previously published as pathogenic or benign to our knowledge